The following is an entry in ClinVar:

NM_000057.4(BLM):c.3367A>G (p.Ser1123Gly)

Gene: BLM (BLM RecQ like helicase; plus strand). Cytogenetic location: 15q26.1.
Variant type: single nucleotide variant.
Coding change: c.3367A>G on transcript NM_000057.4 (MANE Select); coding-DNA position 3367, A replaced by G.
Protein change: p.Ser1123Gly; replaces serine 1123 with glycine.
Molecular consequence: missense variant. On other transcripts: intron variant (1).
Genome position (GRCh38, 1-based): chr15:90,803,529, A>G. VCF-style: chr15-90803529-A-G. GRCh37 (hg19) VCF-style: chr15-91346759-A-G.
Other names: c.3367A>G, p.Ser1123Gly (NM_001287246.2); c.2242A>G, p.Ser748Gly (NM_001287248.2); c.3358+5192A>G (NM_001287247.2); c.3367A>G (NM_000057.3); short protein forms S1123G, S748G.
Identifiers: ClinVar variation 1730667 (VCV001730667.5), dbSNP rs1897212324, ClinGen allele CA393847444.

ClinVar aggregate classification (germline): Uncertain significance. Review status: criteria provided, multiple submitters, no conflicts (2 of 4 stars). 2 submissions from 2 submitters: Uncertain significance (2). Last evaluated 2025-08-23.

Conditions:
Hereditary cancer-predisposing syndrome. Also called: Neoplastic Syndromes, Hereditary; Tumor predisposition; Hereditary Cancer Syndrome; Hereditary neoplastic syndrome. Identifiers: Orphanet 140162, MedGen C0027672, MeSH D009386, MONDO:0015356.

Submissions (2):

Ambry Genetics
Classification: Uncertain significance for Hereditary cancer-predisposing syndrome. Last evaluated: 2025-08-23. Review status: criteria provided, single submitter. Criteria: Ambry Variant Classification Scheme 2023. Collection method: clinical testing. Allele origin: germline.
Comment: The p.S1123G variant (also known as c.3367A>G), located in coding exon 17 of the BLM gene, results from an A to G substitution at nucleotide position 3367. The serine at codon 1123 is replaced by glycine, an amino acid with similar properties. This amino acid position is highly conserved in available vertebrate species. In addition, the in silico prediction for this alteration is inconclusive. Since supporting evidence is limited at this time, the clinical significance of this alteration remains unclear.

Quest Diagnostics Nichols Institute San Juan Capistrano
Classification: Uncertain significance. Last evaluated: 2024-10-24. Review status: criteria provided, single submitter. Criteria: Quest Diagnostics criteria. Collection method: clinical testing. Allele origin: unknown.
Comment: The BLM c.3367A>G (p.Ser1123Gly) variant has not been reported in individuals with BLM-related conditions in the published literature. It also has not been reported in large, multi-ethnic general populations (Genome Aggregation Database). Analysis of this variant using bioinformatics tools for the prediction of the effect of amino acid changes on protein structure and function yielded predictions that this variant is benign. Based on the available information, we are unable to determine the clinical significance of this variant.